The following is an entry in ClinVar:

ClinVar aggregate classification (germline): Likely benign (1 of 4 stars; one submission).

gnomAD v4.1: 923 of 1,612,666 alleles (0.057%); highest among the groups gnomAD compares: Non-Finnish European, 0.071%; 1 homozygote.

Submission:

CeGaT Center for Human Genetics Tuebingen
Classification: Likely benign. Last evaluated: 2026-06-01. Review status: criteria provided, single submitter. Criteria: CeGaT Center For Human Genetics Tuebingen Variant Classification Criteria Version 2. Collection method: clinical testing. Allele origin: germline. Affected: yes. Observed: 5 variant alleles.
Comment: PIGQ: BP4, BS2

NM_004204.5(PIGQ):c.*364A>T

Gene: PIGQ (phosphatidylinositol glycan anchor biosynthesis class Q; plus strand). Cytogenetic location: 16p13.3.
Variant type: single nucleotide variant.
Coding change: c.*364A>T on transcript NM_004204.5 (MANE Select); 364 bases downstream of the stop codon, A replaced by T.
Molecular consequence: 3 prime UTR variant. On other transcripts: missense variant (1).
Genome position (GRCh38, 1-based): chr16:583,399, A>T. VCF-style: chr16-583399-A-T. GRCh37 (hg19) VCF-style: chr16-633399-A-T.
Other names: c.2048A>T, p.Glu683Val (NM_148920.4); short protein forms E683V.
Identifiers: ClinVar variation 3341594 (VCV003341594.16).